The following is an entry in ClinVar:

NM_002900.3(RBP3):c.301C>G (p.Gln101Glu)

Gene: RBP3 (retinol binding protein 3; plus strand). Cytogenetic location: 10q11.22.
Variant type: single nucleotide variant.
Coding change: c.301C>G on transcript NM_002900.3 (MANE Select); coding-DNA position 301, C replaced by G.
Protein change: p.Gln101Glu; replaces glutamine 101 with glutamic acid.
Molecular consequence: missense variant.
Genome position (GRCh38, 1-based): chr10:47,348,785, C>G. VCF-style: chr10-47348785-C-G. GRCh37 (hg19) VCF-style: chr10-48390577-G-C.
Other names: short protein forms Q101E.
Identifiers: ClinVar variation 1506608 (VCV001506608.6), dbSNP rs782327191, ClinGen allele CA5487815.
Genomic context (GRCh38, chr10:47,348,785, plus strand): 5'-TCCCTGAACGATCCTCGCCTGGTCATCTCCTATGAGCCCAGCACCCCCGAGCCTCCCCCA[C>G]AAGTCCCAGCACTCACCAGCCTCTCAGAAGAGGAACTGCTTGCCTGGCTGCAAAGGGGCC-3'
Protein context (NP_002891.1, residues 91-111): YEPSTPEPPP[Gln101Glu]VPALTSLSEE

ClinVar aggregate classification (germline): Uncertain significance (1 of 4 stars; one submission).

Allele frequency attached by ClinVar (database versions not stated): gnomAD 0.00001; gnomAD exomes 0.00001; ExAC 0.00002.

Submission:

Labcorp Genetics (formerly Invitae), Labcorp
Classification: Uncertain significance. Last evaluated: 2022-02-04. Review status: criteria provided, single submitter. Criteria: Invitae Variant Classification Sherloc (09022015). Collection method: clinical testing. Allele origin: germline.
Comment: In summary, the available evidence is currently insufficient to determine the role of this variant in disease. Therefore, it has been classified as a Variant of Uncertain Significance. Algorithms developed to predict the effect of sequence changes on RNA splicing suggest that this variant may create or strengthen a splice site. Algorithms developed to predict the effect of missense changes on protein structure and function (SIFT, PolyPhen-2, Align-GVGD) all suggest that this variant is likely to be tolerated. This variant has not been reported in the literature in individuals affected with RBP3-related conditions. This variant is present in population databases (rs782327191, gnomAD 0.006%). This sequence change replaces glutamine, which is neutral and polar, with glutamic acid, which is acidic and polar, at codon 101 of the RBP3 protein (p.Gln101Glu).